The following is an entry in ClinVar:

ClinVar aggregate classification (germline): Pathogenic (1 of 4 stars; one submission).

Submission:

Labcorp Genetics (formerly Invitae), Labcorp
Classification: Pathogenic. Last evaluated: 2022-12-06. Review status: criteria provided, single submitter. Criteria: Invitae Variant Classification Sherloc (09022015). Collection method: clinical testing. Allele origin: germline.
Comment: For these reasons, this variant has been classified as Pathogenic. This variant has not been reported in the literature in individuals affected with XPA-related conditions. This variant is not present in population databases (gnomAD no frequency). This sequence change creates a premature translational stop signal (p.Arg42Glyfs*21) in the XPA gene. It is expected to result in an absent or disrupted protein product. Loss-of-function variants in XPA are known to be pathogenic (PMID: 27607234).

Literature cited by the submitters: PubMed 27607234.

NM_000380.4(XPA):c.124del (p.Arg42fs)

Gene: XPA (XPA, DNA damage recognition and repair factor; minus strand). Cytogenetic location: 9q22.33.
Variant type: Deletion.
Coding change: c.124del on transcript NM_000380.4 (MANE Select); coding-DNA position 124, one base deleted (C; older notation c.124delC).
Protein change: p.Arg42fs; shifts the reading frame from arginine 42.
Molecular consequence: frameshift variant. On other transcripts: 5 prime UTR variant (1), non-coding transcript variant (5).
Genome position (GRCh38, 1-based): chr9:97,697,169, G deleted on the plus strand (C on the coding strand, the reverse complement: XPA is on the minus strand); the first of 3 consecutive G bases (chr9:97,697,169-97,697,171); deleting any one gives the same sequence. VCF-style (leftmost placement, unchanged base first): chr9-97697168-CG-C. GRCh37 (hg19) VCF-style: chr9-100459450-CG-C.
Other names: c.-1026del (NM_001354975.2); short protein forms R42fs.
Identifiers: ClinVar variation 2818886 (VCV002818886.3), dbSNP rs2490246666, ClinGen allele CA2739264878.